The following is an entry in ClinVar:

ClinVar aggregate classification (germline): Uncertain significance (1 of 4 stars; one submission).

gnomAD v4.1: 5 of 1,607,624 alleles (0.00031%); highest among the groups gnomAD compares: East Asian, 0.0022%; no homozygotes.

Submission:

Labcorp Genetics (formerly Invitae), Labcorp
Classification: Uncertain significance. Last evaluated: 2025-12-05. Review status: criteria provided, single submitter. Criteria: Invitae Variant Classification Sherloc (09022015). Collection method: clinical testing. Allele origin: germline.
Comment: This sequence change replaces methionine, which is neutral and non-polar, with valine, which is neutral and non-polar, at codon 726 of the KIF11 protein (p.Met726Val). This variant is not present in population databases (gnomAD no frequency). This variant has not been reported in the literature in individuals affected with KIF11-related conditions. Invitae Evidence Modeling of protein sequence and biophysical properties (such as structural, functional, and spatial information, amino acid conservation, physicochemical variation, residue mobility, and thermodynamic stability) indicates that this missense variant is not expected to disrupt KIF11 protein function with a negative predictive value of 95%. In summary, the available evidence is currently insufficient to determine the role of this variant in disease. Therefore, it has been classified as a Variant of Uncertain Significance.

NM_004523.4(KIF11):c.2176A>G (p.Met726Val)

Gene: KIF11 (kinesin family member 11; plus strand). Cytogenetic location: 10q23.33.
Variant type: single nucleotide variant.
Coding change: c.2176A>G on transcript NM_004523.4 (MANE Select); coding-DNA position 2176, A replaced by G.
Protein change: p.Met726Val; replaces methionine 726 with valine.
Molecular consequence: missense variant.
Genome position (GRCh38, 1-based): chr10:92,639,809, A>G. VCF-style: chr10-92639809-A-G. GRCh37 (hg19) VCF-style: chr10-94399566-A-G.
Other names: short protein forms M726V.
Identifiers: ClinVar variation 4766747 (VCV004766747.1).
Genomic context (GRCh38, chr10:92,639,809, plus strand): 5'-GTGTCATAATTTTAAGTCTCTTCACTTCCCACACCTTTCTTACAGGAACTTTGCAAGTTA[A>G]TGAATCTTTGGACAGAGAGATTCTGTGCTTTGGAGGAAAAGTGTGAAAATATACAGAAAC-3'
Protein context (NP_004514.2, residues 716-736): QTHSQELCKL[Met726Val]NLWTERFCAL